The following is an entry in ClinVar:

ClinVar aggregate classification (germline): Uncertain significance. Review status: criteria provided, multiple submitters, no conflicts (2 of 4 stars). 3 submissions from 3 submitters: Uncertain significance (3). Last evaluated 2025-04-22.

Conditions:
Autosomal recessive limb-girdle muscular dystrophy type 2P. Also called: MUSCULAR DYSTROPHY-DYSTROGLYCANOPATHY, LIMB-GIRDLE, DAG1-RELATED; Limb-Girdle Muscular Dystrophy Type 9C; MUSCULAR DYSTROPHY, LIMB-GIRDLE, TYPE 2P. Identifiers: Orphanet 280333, MedGen C4511963, MONDO:0013440, OMIM 613818.
Muscular dystrophy-dystroglycanopathy (congenital with brain and eye anomalies), type A9. Also called: Muscular dystrophy-dystroglycanopathy (congenital with brain and eye anomalies), type a, 9; WALKER-WARBURG SYNDROME OR MUSCLE-EYE BRAIN DISEASE, DAG1-RELATED. Identifiers: Orphanet 370997, Orphanet 899, MedGen C4225291, MONDO:0014683, OMIM 616538.

gnomAD v4.1: 2 of 1,614,192 alleles (0.00012%); highest among the groups gnomAD compares: Non-Finnish European, 0.00017%; no homozygotes.

Submissions (3):

GeneDx
Classification: Uncertain significance. Last evaluated: 2025-04-22. Review status: criteria provided, single submitter. Criteria: GeneDx Variant Classification Process June 2021. Collection method: clinical testing. Allele origin: germline. Affected: yes.
Comment: Reported as a single heterozygous variant in a mother and daughter myalgia or asymptomatic hyperCKemia (PMID: 38177406); Not observed at significant frequency in large population cohorts (gnomAD); Nonsense variant predicted to result in protein truncation as the last 256 amino acid(s) are lost; This variant is associated with the following publications: (PMID: 21388311, 38177406)

Labcorp Genetics (formerly Invitae), Labcorp
Classification: Uncertain significance for Autosomal recessive limb-girdle muscular dystrophy type 2P; Muscular dystrophy-dystroglycanopathy (congenital with brain and eye anomalies), type A9. Last evaluated: 2022-07-03. Review status: criteria provided, single submitter. Criteria: Invitae Variant Classification Sherloc (09022015). Collection method: clinical testing. Allele origin: germline.
Comment: This sequence change creates a premature translational stop signal (p.Arg640*) in the DAG1 gene. While this is not anticipated to result in nonsense mediated decay, it is expected to disrupt the last 256 amino acid(s) of the DAG1 protein. This variant is not present in population databases (gnomAD no frequency). This variant has not been reported in the literature in individuals affected with DAG1-related conditions. Experimental studies and prediction algorithms are not available or were not evaluated, and the functional significance of this variant is currently unknown. In summary, the available evidence is currently insufficient to determine the role of this variant in disease. Therefore, it has been classified as a Variant of Uncertain Significance.

Blueprint Genetics
Classification: Uncertain significance. Last evaluated: 2017-11-29. Review status: criteria provided, single submitter. Criteria: ACMG Guidelines, 2015. Collection method: clinical testing. Allele origin: germline.

NM_004393.6(DAG1):c.1918C>T (p.Arg640Ter)

Gene: DAG1 (dystroglycan 1; plus strand). Cytogenetic location: 3p21.31.
Variant type: single nucleotide variant.
Coding change: c.1918C>T on transcript NM_004393.6 (MANE Select); coding-DNA position 1918, C replaced by T.
Protein change: p.Arg640Ter; replaces arginine 640 with a stop codon.
Molecular consequence: nonsense.
Genome position (GRCh38, 1-based): chr3:49,532,429, C>T. VCF-style: chr3-49532429-C-T. GRCh37 (hg19) VCF-style: chr3-49569862-C-T.
Other names: c.1918C>T (NM_004393.5); c.1918C>T, p.Arg640Ter (NM_001165928.4, NM_001177634.3, NM_001177635.3 and 9 more transcripts); short protein forms R640*.
Identifiers: ClinVar variation 2418757 (VCV002418757.4), dbSNP rs1404065812, ClinGen allele CA352796428.